The following is an entry in ClinVar:

NM_000535.7(PMS2):c.1018A>G (p.Lys340Glu)

Gene: PMS2 (PMS1 homolog 2, mismatch repair system component; minus strand). Cytogenetic location: 7p22.1.
Variant type: single nucleotide variant.
Coding change: c.1018A>G on transcript NM_000535.7 (MANE Select); coding-DNA position 1018, A replaced by G.
Protein change: p.Lys340Glu; replaces lysine 340 with glutamic acid.
Molecular consequence: missense variant. On other transcripts: non-coding transcript variant (1), intron variant (2).
Genome position (GRCh38, 1-based): chr7:5,989,926, T>C on the plus strand (A>G on the coding strand, the complement: PMS2 is on the minus strand). VCF-style: chr7-5989926-T-C. GRCh37 (hg19) VCF-style: chr7-6029557-T-C.
Other names: c.613A>G, p.Lys205Glu (NM_001322003.2, NM_001322004.2, NM_001322005.2 and 1 more transcripts); c.700A>G, p.Lys234Glu (NM_001322007.2, NM_001322008.2); c.85A>G, p.Lys29Glu (NM_001322011.2, NM_001322012.2); c.445A>G, p.Lys149Glu (NM_001322013.2); c.1018A>G, p.Lys340Glu (NM_001322014.2); c.709A>G, p.Lys237Glu (NM_001322015.2); c.583+2047A>G (NM_001322010.2); c.988+2047A>G (NM_001322006.2); short protein forms K234E, K149E, K237E, K340E, K205E, K29E.
Identifiers: ClinVar variation 966382 (VCV000966382.9), dbSNP rs1783545463, ClinGen allele CA366742980.
Genomic context (GRCh38, chr7:5,989,926, plus strand): 5'-TCAAAGAGGTCTTTAAAACTGCCAACAAAAGCTTTTCCTCTTGTAGCAAAATTTGCCTTT[T>C]ATCTGGAGTAACATTGATATCAACGCATTCTAAGGCAAAAAAGAAAACATATTTATTATG-3'
Protein context (NP_000526.2, residues 330-350): ECVDINVTPD[Lys340Glu]RQILLQEEKL

ClinVar aggregate classification (germline): Uncertain significance (1 of 4 stars; one submission).

Conditions:
Hereditary nonpolyposis colorectal neoplasms. Identifiers: MedGen C0009405, MeSH D003123.

Submission:

Labcorp Genetics (formerly Invitae), Labcorp
Classification: Uncertain significance for Hereditary nonpolyposis colorectal neoplasms. Last evaluated: 2023-02-07. Review status: criteria provided, single submitter. Criteria: Invitae Variant Classification Sherloc (09022015). Collection method: clinical testing. Allele origin: germline.
Comment: This sequence change replaces lysine, which is basic and polar, with glutamic acid, which is acidic and polar, at codon 340 of the PMS2 protein (p.Lys340Glu). This variant is not present in population databases (gnomAD no frequency). This variant has not been reported in the literature in individuals affected with PMS2-related conditions. In summary, the available evidence is currently insufficient to determine the role of this variant in disease. Therefore, it has been classified as a Variant of Uncertain Significance. Advanced modeling of protein sequence and biophysical properties (such as structural, functional, and spatial information, amino acid conservation, physicochemical variation, residue mobility, and thermodynamic stability) performed at Invitae indicates that this missense variant is expected to disrupt PMS2 protein function. ClinVar contains an entry for this variant (Variation ID: 966382).